The following is an entry in ClinVar:

NM_013254.4(TBK1):c.584A>C (p.Gln195Pro)

Gene: TBK1 (TANK binding kinase 1; plus strand). Cytogenetic location: 12q14.2.
Variant type: single nucleotide variant.
Coding change: c.584A>C on transcript NM_013254.4 (MANE Select); coding-DNA position 584, A replaced by C.
Protein change: p.Gln195Pro; replaces glutamine 195 with proline.
Molecular consequence: missense variant.
Genome position (GRCh38, 1-based): chr12:64,474,273, A>C. VCF-style: chr12-64474273-A-C. GRCh37 (hg19) VCF-style: chr12-64868053-A-C.
Other names: p.Gln195Pro; short protein forms Q195P.
Identifiers: ClinVar variation 4541731 (VCV004541731.1).

ClinVar aggregate classification (germline): Uncertain significance (1 of 4 stars; one submission).

Submission:

Mayo Clinic Laboratories, Mayo Clinic
Classification: Uncertain significance. Last evaluated: 2025-10-07. Review status: criteria provided, single submitter. Criteria: ACMG Guidelines, 2015. Collection method: clinical testing. Allele origin: germline. Observed: 1 variant allele.
Comment: PM2_supporting